The following is an entry in ClinVar:

NM_001382430.1(AKT1):c.898A>C (p.Ile300Leu)

Gene: AKT1 (AKT serine/threonine kinase 1; minus strand). Cytogenetic location: 14q32.33.
Variant type: single nucleotide variant.
Coding change: c.898A>C on transcript NM_001382430.1 (MANE Select); coding-DNA position 898, A replaced by C.
Protein change: p.Ile300Leu; replaces isoleucine 300 with leucine.
Molecular consequence: missense variant.
Genome position (GRCh38, 1-based): chr14:104,773,310, T>G on the plus strand (A>C on the coding strand, the complement: AKT1 is on the minus strand). VCF-style: chr14-104773310-T-G. GRCh37 (hg19) VCF-style: chr14-105239647-T-G.
Other names: c.898A>C, p.Ile300Leu (NM_001014431.2, NM_001014432.2, NM_001382431.1 and 3 more transcripts); short protein forms I300L.
Identifiers: ClinVar variation 3224641 (VCV003224641.1), dbSNP rs2542125695, ClinGen allele CA391217773.

ClinVar aggregate classification (germline): Uncertain significance (1 of 4 stars; one submission).

Conditions:
Inborn genetic diseases. Identifiers: MedGen C0950123, MeSH D030342.

Submission:

Ambry Genetics
Classification: Uncertain significance for Inborn genetic diseases. Last evaluated: 2023-11-14. Review status: criteria provided, single submitter. Criteria: Ambry Variant Classification Scheme 2023. Collection method: clinical testing. Allele origin: germline.
Comment: The p.I300L variant (also known as c.898A>C), located in coding exon 9 of the AKT1 gene, results from an A to C substitution at nucleotide position 898. The isoleucine at codon 300 is replaced by leucine, an amino acid with highly similar properties. This amino acid position is conserved. In addition, this alteration is predicted to be tolerated by in silico analysis. Since supporting evidence is limited at this time, the clinical significance of this alteration remains unclear.